The following is an entry in ClinVar:

NM_147127.5(EVC2):c.3418C>T (p.Arg1140Cys)

Gene: EVC2 (EvC ciliary complex subunit 2; minus strand). Cytogenetic location: 4p16.2.
Variant type: single nucleotide variant.
Coding change: c.3418C>T on transcript NM_147127.5 (MANE Select); coding-DNA position 3418, C replaced by T.
Protein change: p.Arg1140Cys; replaces arginine 1140 with cysteine.
Molecular consequence: missense variant.
Genome position (GRCh38, 1-based): chr4:5,568,583, G>A on the plus strand (C>T on the coding strand, the complement: EVC2 is on the minus strand). VCF-style: chr4-5568583-G-A. GRCh37 (hg19) VCF-style: chr4-5570310-G-A.
Other names: c.3418C>T (NM_147127.4); c.3178C>T, p.Arg1060Cys (NM_001166136.2); short protein forms R1140C, R1060C.
Identifiers: ClinVar variation 2158562 (VCV002158562.3), dbSNP rs376225141, ClinGen allele CA2834319.

ClinVar aggregate classification (germline): Uncertain significance. Review status: criteria provided, multiple submitters, no conflicts (2 of 4 stars). 2 submissions from 2 submitters: Uncertain significance (2). Last evaluated 2025-06-19.

Conditions:
Inborn genetic diseases. Identifiers: MedGen C0950123, MeSH D030342.
Ellis-van Creveld syndrome (EVC). Also called: MESOECTODERMAL DYSPLASIA; Chondroectodermal dysplasia; EVC-Related Ellis-van Creveld Syndrome; EVC2-Related Ellis-van Creveld Syndrome. Identifiers: Orphanet 289, MedGen C0013903, MONDO:0009162, OMIM 225500.
Curry-Hall syndrome (WAD). Also called: WEYERS ACRODENTAL DYSOSTOSIS. Identifiers: Orphanet 952, MedGen C0457013, MONDO:0008673, OMIM 193530.

Allele frequency attached by ClinVar (database versions not stated): gnomAD 0.00004; ExAC 0.00005; TOPMed 0.00007; ESP Exome Variant Server 0.00008.
gnomAD v4.1: 36 of 1,608,220 alleles (0.0022%); highest among the groups gnomAD compares: African/African-American, 0.017%; no homozygotes.

Submissions (2):

Ambry Genetics
Classification: Uncertain significance for Inborn genetic diseases. Last evaluated: 2025-06-19. Review status: criteria provided, single submitter. Criteria: Ambry Variant Classification Scheme 2023. Collection method: clinical testing. Allele origin: germline.

Labcorp Genetics (formerly Invitae), Labcorp
Classification: Uncertain significance for Curry-Hall syndrome; Ellis-van Creveld syndrome. Last evaluated: 2024-01-01. Review status: criteria provided, single submitter. Criteria: Invitae Variant Classification Sherloc (09022015). Collection method: clinical testing. Allele origin: germline.
Comment: This sequence change replaces arginine, which is basic and polar, with cysteine, which is neutral and slightly polar, at codon 1140 of the EVC2 protein (p.Arg1140Cys). This variant is present in population databases (rs376225141, gnomAD 0.03%). This variant has not been reported in the literature in individuals affected with EVC2-related conditions. ClinVar contains an entry for this variant (Variation ID: 2158562). Algorithms developed to predict the effect of missense changes on protein structure and function output the following: SIFT: "Not Available"; PolyPhen-2: "Benign"; Align-GVGD: "Not Available". The cysteine amino acid residue is found in multiple mammalian species, which suggests that this missense change does not adversely affect protein function. In summary, the available evidence is currently insufficient to determine the role of this variant in disease. Therefore, it has been classified as a Variant of Uncertain Significance.